The following is an entry in ClinVar:

ClinVar aggregate classification (germline): Uncertain significance. Review status: criteria provided, multiple submitters, no conflicts (2 of 4 stars). 2 submissions from 2 submitters: Uncertain significance (2). Last evaluated 2026-05-21.

Conditions:
Inborn genetic diseases. Identifiers: MedGen C0950123, MeSH D030342.

gnomAD v4.1: 1 of 1,579,490 alleles (0.000063%); highest among the groups gnomAD compares: Non-Finnish European, 0.000087%; no homozygotes.

Submissions (2):

Ambry Genetics
Classification: Uncertain significance for Inborn genetic diseases. Last evaluated: 2026-05-21. Review status: criteria provided, single submitter. Criteria: Ambry Variant Classification Scheme 2023. Collection method: clinical testing. Allele origin: germline.
Comment: The p.K1334Q variant (also known as c.4000A>C), located in coding exon 28 of the ANKRD26 gene, results from an A to C substitution at nucleotide position 4000. The lysine at codon 1334 is replaced by glutamine, an amino acid with similar properties. This amino acid position is conserved. In addition, this alteration is predicted to be tolerated by in silico analysis. Based on the available evidence, the clinical significance of this variant remains unclear.

GeneDx
Classification: Uncertain significance. Last evaluated: 2024-04-11. Review status: criteria provided, single submitter. Criteria: GeneDx Variant Classification Process June 2021. Collection method: clinical testing. Allele origin: germline. Affected: yes.
Comment: Not observed at significant frequency in large population cohorts (gnomAD); In silico analysis supports that this missense variant has a deleterious effect on protein structure/function; Has not been previously published as pathogenic or benign to our knowledge

NM_014915.3(ANKRD26):c.4000A>C (p.Lys1334Gln)

Gene: ANKRD26 (ankyrin repeat domain 26; minus strand). Cytogenetic location: 10p12.1.
Variant type: single nucleotide variant.
Coding change: c.4000A>C on transcript NM_014915.3 (MANE Select); coding-DNA position 4000, A replaced by C.
Protein change: p.Lys1334Gln; replaces lysine 1334 with glutamine.
Molecular consequence: missense variant.
Genome position (GRCh38, 1-based): chr10:27,024,532, T>G on the plus strand (A>C on the coding strand, the complement: ANKRD26 is on the minus strand). VCF-style: chr10-27024532-T-G. GRCh37 (hg19) VCF-style: chr10-27313461-T-G.
Other names: c.3997A>C, p.Lys1333Gln (NM_001256053.2); short protein forms K1333Q, K1334Q.
Identifiers: ClinVar variation 3371950 (VCV003371950.2).